The following is an entry in ClinVar:

ClinVar aggregate classification (germline): Uncertain significance. Review status: criteria provided, multiple submitters, no conflicts (2 of 4 stars). 2 submissions from 2 submitters: Uncertain significance (2). Last evaluated 2022-08-31.

Allele frequency attached by ClinVar (database versions not stated): gnomAD exomes 0.00002 and 0.00006; TOPMed 0.00002; gnomAD 0.00003; ExAC 0.00007; ESP Exome Variant Server 0.00008.
gnomAD v4.1: 36 of 1,613,350 alleles (0.0022%); highest among the groups gnomAD compares: Admixed American, 0.018%; no homozygotes.

Submissions (2):

Labcorp Genetics (formerly Invitae), Labcorp
Classification: Uncertain significance. Last evaluated: 2022-08-31. Review status: criteria provided, single submitter. Criteria: Invitae Variant Classification Sherloc (09022015). Collection method: clinical testing. Allele origin: germline.
Comment: This sequence change replaces arginine, which is basic and polar, with cysteine, which is neutral and slightly polar, at codon 4133 of the PCLO protein (p.Arg4133Cys). This variant is present in population databases (rs372497499, gnomAD 0.02%). This variant has not been reported in the literature in individuals affected with PCLO-related conditions. ClinVar contains an entry for this variant (Variation ID: 810113). Algorithms developed to predict the effect of missense changes on protein structure and function are either unavailable or do not agree on the potential impact of this missense change (SIFT: "Deleterious"; PolyPhen-2: "Not Available"; Align-GVGD: "Class C0"). In summary, the available evidence is currently insufficient to determine the role of this variant in disease. Therefore, it has been classified as a Variant of Uncertain Significance.

CeGaT Center for Human Genetics Tuebingen
Classification: Uncertain significance. Last evaluated: 2018-05-01. Review status: criteria provided, single submitter. Criteria: CeGaT Center For Human Genetics Tuebingen Variant Classification Criteria Version 2. Collection method: clinical testing. Allele origin: germline. Affected: yes. Observed: 1 variant allele.

NM_033026.6(PCLO):c.12397C>T (p.Arg4133Cys)

Gene: PCLO (piccolo presynaptic cytomatrix protein; minus strand). Cytogenetic location: 7q21.11.
Variant type: single nucleotide variant.
Coding change: c.12397C>T on transcript NM_033026.6 (MANE Select); coding-DNA position 12397, C replaced by T.
Protein change: p.Arg4133Cys; replaces arginine 4133 with cysteine.
Molecular consequence: missense variant.
Genome position (GRCh38, 1-based): chr7:82,915,589, G>A on the plus strand (C>T on the coding strand, the complement: PCLO is on the minus strand). VCF-style: chr7-82915589-G-A. GRCh37 (hg19) VCF-style: chr7-82544905-G-A.
Other names: c.12397C>T, p.Arg4133Cys (NM_014510.3); short protein forms R4133C.
Identifiers: ClinVar variation 810113 (VCV000810113.45), dbSNP rs372497499, ClinGen allele CA4319378.